The following is an entry in ClinVar:

ClinVar aggregate classification (germline): Uncertain significance (1 of 4 stars; one submission).

Conditions:
Hereditary cancer-predisposing syndrome. Also called: Neoplastic Syndromes, Hereditary; Tumor predisposition; Hereditary neoplastic syndrome; Hereditary Cancer Syndrome. Identifiers: Orphanet 140162, MedGen C0027672, MeSH D009386, MONDO:0015356.

Submission:

Ambry Genetics
Classification: Uncertain significance for Hereditary cancer-predisposing syndrome. Last evaluated: 2023-12-07. Review status: criteria provided, single submitter. Criteria: Ambry Variant Classification Scheme 2023. Collection method: clinical testing. Allele origin: germline.
Comment: The p.D1400E variant (also known as c.4200C>A), located in coding exon 33 of the TSC2 gene, results from a C to A substitution at nucleotide position 4200. The aspartic acid at codon 1400 is replaced by glutamic acid, an amino acid with highly similar properties. This amino acid position is conserved. In addition, the in silico prediction for this alteration is inconclusive. Since supporting evidence is limited at this time, the clinical significance of this alteration remains unclear.

NM_000548.5(TSC2):c.4200C>A (p.Asp1400Glu)

Gene: TSC2 (TSC complex subunit 2; plus strand). Cytogenetic location: 16p13.3.
Variant type: single nucleotide variant.
Coding change: c.4200C>A on transcript NM_000548.5 (MANE Select); coding-DNA position 4200, C replaced by A.
Protein change: p.Asp1400Glu; replaces aspartic acid 1400 with glutamic acid.
Molecular consequence: missense variant. On other transcripts: non-coding transcript variant (5).
Genome position (GRCh38, 1-based): chr16:2,084,422, C>A. VCF-style: chr16-2084422-C-A. GRCh37 (hg19) VCF-style: chr16-2134423-C-A.
Other names: c.3999C>A, p.Asp1333Glu (NM_001077183.3); c.4131C>A, p.Asp1377Glu (NM_001114382.3); c.3891C>A, p.Asp1297Glu (NM_001318827.2); c.3855C>A, p.Asp1285Glu (NM_001318829.2); c.3468C>A, p.Asp1156Glu (NM_001318831.2); c.4032C>A, p.Asp1344Glu (NM_001318832.2); c.4002C>A, p.Asp1334Glu (NM_001363528.2); c.4068C>A, p.Asp1356Glu (NM_001370404.1); and 26 more; short protein forms D1133E, D1134E, D1156E, D1176E, D1177E, D1180E, D1200E, D1284E.
Identifiers: ClinVar variation 3232165 (VCV003232165.1), dbSNP rs758897944, ClinGen allele CA394299872.